The following is an entry in ClinVar:

ClinVar aggregate classification (germline): Benign/Likely benign. Review status: criteria provided, multiple submitters, no conflicts (2 of 4 stars). 6 submissions from 5 submitters: Benign (3); Likely benign (3). Last evaluated 2026-01-21.

Conditions:
Perrault syndrome. Also called: Gonadal dysgenesis with auditory dysfunction, autosomal recessive inheritance. Identifiers: Orphanet 2855, MedGen C0685838, MONDO:0017312.
Bifunctional peroxisomal enzyme deficiency (DBIF). Also called: D-bifunctional protein deficiency; DBP DEFICIENCY; PBFE DEFICIENCY. Identifiers: Orphanet 300, MedGen C0342870, MONDO:0009855, OMIM 261515. Disease mechanism: loss of function.
Perrault syndrome 1 (PRLTS1). Also called: GONADAL DYSGENESIS, XX TYPE, WITH DEAFNESS; OVARIAN DYSGENESIS WITH SENSORINEURAL DEAFNESS. Identifiers: Orphanet 2855, Orphanet 642945, MedGen C4551721, MONDO:0009300, OMIM 233400.

Allele frequency attached by ClinVar (database versions not stated): gnomAD exomes 0.00043; ExAC 0.00054; ESP Exome Variant Server 0.00131; 1000 Genomes Project 30x 0.00172; 1000 Genomes Project 0.00180; gnomAD 0.00192 and 0.00213; TOPMed 0.00210.
gnomAD v4.1: 579 of 1,605,432 alleles (0.036%); highest among the groups gnomAD compares: African/African-American, 0.66%; 2 homozygotes.

Submissions (6):

Labcorp Genetics (formerly Invitae), Labcorp
Classification: Benign for Perrault syndrome; Bifunctional peroxisomal enzyme deficiency. Last evaluated: 2026-01-21. Review status: criteria provided, single submitter. Criteria: Invitae Variant Classification Sherloc (09022015). Collection method: clinical testing. Allele origin: germline.

Blueprint Genetics
Classification: Likely benign. Last evaluated: 2024-06-20. Review status: criteria provided, single submitter. Criteria: ACMG Guidelines, 2015. Collection method: clinical testing. Allele origin: germline.

GeneDx
Classification: Benign. Last evaluated: 2019-03-25. Review status: criteria provided, single submitter. Criteria: GeneDx Variant Classification Process June 2021. Collection method: clinical testing. Allele origin: germline. Affected: yes.

Illumina Laboratory Services, Illumina
Classification: Likely benign for Bifunctional peroxisomal enzyme deficiency. Last evaluated: 2018-01-13. Review status: criteria provided, single submitter. Criteria: ICSL Variant Classification Criteria 13 December 2019. Collection method: clinical testing. Allele origin: germline.
Comment: This variant was observed in the ICSL laboratory as part of a predisposition screen in an ostensibly healthy population. It had not been previously curated by ICSL or reported in the Human Gene Mutation Database (HGMD: prior to June 1st, 2018), and was therefore a candidate for classification through an automated scoring system. Utilizing variant allele frequency, disease prevalence and penetrance estimates, and inheritance mode, an automated score was calculated to assess if this variant is too frequent to cause the disease. Based on the score and internal cut-off values, a variant classified as likely benign is not then subjected to further curation. The score for this variant resulted in a classification of likely benign for this disease.

Illumina Laboratory Services, Illumina
Classification: Likely benign for Perrault syndrome 1. Last evaluated: 2018-01-13. Review status: criteria provided, single submitter. Criteria: ICSL Variant Classification Criteria 13 December 2019. Collection method: clinical testing. Allele origin: germline.
Comment: the same text as in the submission from Illumina Laboratory Services, Illumina above.

Laboratory for Molecular Medicine, Mass General Brigham Personalized Medicine
Classification: Benign. Last evaluated: 2015-07-20. Review status: criteria provided, single submitter. Criteria: LMM Criteria. Collection method: clinical testing. Allele origin: germline. Observed: 1 variant allele.
Comment: 790-13C>T in intron 10 of HSD17B4: This variant is not expected to have clinical significance because it has been identified in 0.57% (59/10406) of African chro mosomes by the Exome Aggregation Consortium (ExAC, g; dbSNP rs185869017).

NM_000414.4(HSD17B4):c.715-13C>T

Gene: HSD17B4 (hydroxysteroid 17-beta dehydrogenase 4; plus strand). Cytogenetic location: 5q23.1.
Variant type: single nucleotide variant.
Coding change: c.715-13C>T on transcript NM_000414.4 (MANE Select); 13 bases into the intron before coding-DNA position 715, C replaced by T.
Molecular consequence: intron variant.
Genome position (GRCh38, 1-based): chr5:119,492,087, C>T. VCF-style: chr5-119492087-C-T. GRCh37 (hg19) VCF-style: chr5-118827782-C-T.
Other names: c.790-13C>T (NM_001199291.3); c.295-13C>T (NM_001292028.2); c.643-13C>T (NM_001292027.2); c.661-13C>T (NM_001199292.2).
Identifiers: ClinVar variation 226673 (VCV000226673.17), dbSNP rs185869017, ClinGen allele CA3381951.
Genomic context (GRCh38, chr5:119,492,087, plus strand): 5'-TTTTTCTAATTAAAACAATTGTATTAGTGATTTCACATTAGATGGTATAATGTTTTCCCC[C>T]TCTTTTTGGTAGGTTGGAGCAGGATGGATTGGAAAATGTAAGTCTCTCTCAGTTTTTGGT-3'